The following is an entry in ClinVar:

ClinVar aggregate classification (germline): Benign (1 of 4 stars; one submission).

Conditions:
Erythrocyte AMP deaminase deficiency. Identifiers: Orphanet 45, MedGen C2752073, OMIM 612874, MONDO:0020734.

Allele frequency attached by ClinVar (database versions not stated): gnomAD exomes 0.59561; 1000 Genomes Project 0.61961; 1000 Genomes Project 30x 0.61977; gnomAD 0.59987 and 0.60011; TOPMed 0.61163.
gnomAD v4.1: 587,343 of 984,754 alleles (60%); highest among the groups gnomAD compares: East Asian, 77%; 175,912 homozygotes.

Submission:

Illumina Laboratory Services, Illumina
Classification: Benign for Erythrocyte AMP deaminase deficiency. Last evaluated: 2018-01-13. Review status: criteria provided, single submitter. Criteria: ICSL Variant Classification Criteria 13 December 2019. Collection method: clinical testing. Allele origin: germline.
Comment: This variant was observed in the ICSL laboratory as part of a predisposition screen in an ostensibly healthy population. It had not been previously curated by ICSL or reported in the Human Gene Mutation Database (HGMD: prior to June 1st, 2018), and was therefore a candidate for classification through an automated scoring system. Utilizing variant allele frequency, disease prevalence and penetrance estimates, and inheritance mode, an automated score was calculated to assess if this variant is too frequent to cause the disease. Based on the score and internal cut-off values, a variant classified as benign is not then subjected to further curation. The score for this variant resulted in a classification of benign for this disease.

NM_001025389.1(AMPD3):c.-312A>G

Gene: AMPD3 (adenosine monophosphate deaminase 3; plus strand). Cytogenetic location: 11p15.4.
Variant type: single nucleotide variant.
Coding change: c.-312A>G on transcript NM_001025389.1; 312 bases upstream of the start codon, A replaced by G.
Molecular consequence: intron variant (on NM_001172431.2).
Genome position (GRCh38, 1-based): chr11:10,455,142, A>G. VCF-style: chr11-10455142-A-G. GRCh37 (hg19) VCF-style: chr11-10476689-A-G.
Other names: c.-278+4627A>G (NM_001172431.2); c.22+4099A>G (NM_000480.3).
Identifiers: ClinVar variation 302137 (VCV000302137.7), dbSNP rs899013, ClinGen allele CA10629746.